The following is an entry in ClinVar:

ClinVar aggregate classification (germline): Pathogenic (1 of 4 stars; one submission).

Conditions:
Recessive dystrophic epidermolysis bullosa (RDEB). Also called: DYSTROPHIC EPIDERMOLYSIS BULLOSA, AUTOSOMAL RECESSIVE; EPIDERMOLYSIS BULLOSA DYSTROPHICA, HALLOPEAU-SIEMENS TYPE; Hallopeau-Siemens Disease; severe generalized recessive dystrophic epidermolysis bullosa; EPIDERMOLYSIS BULLOSA DYSTROPHICA, GENERALIZED SEVERE, AUTOSOMAL RECESSIVE; Epidermolysis Bullosa Distrophica Autosomal Recessive (RDEB). Identifiers: Orphanet 79408, Orphanet 79409, MedGen C0079474, MONDO:0009179, OMIM 226600.

Submission:

Myriad Genetics, Inc.
Classification: Pathogenic for Recessive dystrophic epidermolysis bullosa. Last evaluated: 2025-04-19. Review status: criteria provided, single submitter. Criteria: Myriad Autosomal Dominant, Autosomal Recessive and X-Linked Classification Criteria (2023). Collection method: clinical testing. Allele origin: unknown.
Comment: NM_000094.3(COL7A1):c.3937_3938delGC(A1313Rfs*46) is expected to be pathogenic in the context of dystrophic epidermolysis bullosa. This variant is predicted to lead to an abnormal or absent protein product due to the creation of a premature termination codon in COL7A1, a gene where loss-of-function variants are known to be pathogenic. Please note: this variant was assessed in the context of healthy population screening.

NM_000094.4(COL7A1):c.3937_3938del (p.Ala1313fs)

Gene: COL7A1 (collagen type VII alpha 1 chain; minus strand). Cytogenetic location: 3p21.31.
Variant type: Microsatellite.
Coding change: c.3937_3938del on transcript NM_000094.4 (MANE Select); coding-DNA positions 3937 to 3938, 2 bases deleted (GC; older notation c.3937_3938delGC).
Protein change: p.Ala1313fs; shifts the reading frame from alanine 1313.
Molecular consequence: frameshift variant.
Genome position (GRCh38, 1-based): chr3:48,585,073-48,585,074, GC deleted on the plus strand (GC on the coding strand, the reverse complement: COL7A1 is on the minus strand); deleting any 2 consecutive bases within chr3:48,585,073-48,585,077 gives the same sequence; the c. name uses the placement nearest the transcript's 3' end. VCF-style (leftmost placement, unchanged base first): chr3-48585072-GGC-G. GRCh37 (hg19) VCF-style: chr3-48622505-GGC-G.
Other names: short protein forms A1313fs.
Identifiers: ClinVar variation 5014339 (VCV005014339.1).